The following is an entry in ClinVar:

ClinVar aggregate classification (germline): Uncertain significance (1 of 4 stars; one submission).

Submission:

Women's Health and Genetics/Laboratory Corporation of America, LabCorp
Classification: Uncertain significance. Last evaluated: 2024-07-03. Review status: criteria provided, single submitter. Criteria: LabCorp Variant Classification Summary - May 2015. Collection method: clinical testing. Allele origin: germline.
Comment: Variant summary: AFG3L2 c.44G>C (p.Trp15Ser) results in a non-conservative amino acid change in the encoded protein sequence. Three of five in-silico tools predict a damaging effect of the variant on protein function. The variant was absent in 70810 control chromosomes (gnomAD). The available data on variant occurrences in the general population are insufficient to allow any conclusion about variant significance. To our knowledge, no occurrence of c.44G>C in individuals affected with Spinocerebellar Ataxia Type 28 and no experimental evidence demonstrating its impact on protein function have been reported. No submitters have cited clinical-significance assessments for this variant to ClinVar. Based on the evidence outlined above, the variant was classified as uncertain significance.

NM_006796.3(AFG3L2):c.44G>C (p.Trp15Ser)

Gene: AFG3L2 (AFG3 like matrix AAA peptidase subunit 2; minus strand). Cytogenetic location: 18p11.21.
Variant type: single nucleotide variant.
Coding change: c.44G>C on transcript NM_006796.3 (MANE Select); coding-DNA position 44, G replaced by C.
Protein change: p.Trp15Ser; replaces tryptophan 15 with serine.
Molecular consequence: missense variant.
Genome position (GRCh38, 1-based): chr18:12,377,039, C>G on the plus strand (G>C on the coding strand, the complement: AFG3L2 is on the minus strand). VCF-style: chr18-12377039-C-G. GRCh37 (hg19) VCF-style: chr18-12377038-C-G.
Other names: short protein forms W15S.
Identifiers: ClinVar variation 3339170 (VCV003339170.1).
Genomic context (GRCh38, chr18:12,377,039, plus strand): 5'-CAGGGCTGCTCGCCCGGGCCCACGCCGCCAGGCACGAGGAGCTGCTGTAGGCCGCGGGGC[C>G]AGCAGCCGCCCCGGCCCCACAGCCGCAAACAGCGGTGCGCCATGGCCGCCGCCGTGGCCC-3'
Protein context (NP_006787.2, residues 5-25): CLRLWGRGGC[Trp15Ser]PRGLQQLLVP